The following is an entry in ClinVar:

ClinVar aggregate classification (germline): Conflicting classifications of pathogenicity. Review status: criteria provided, conflicting classifications (1 of 4 stars). 4 submissions from 4 submitters: Uncertain significance (2); Likely benign (2). Last evaluated 2026-07-01.

Conditions:
CACNA1F-related disorder. Also called: CACNA1F-related condition.

Allele frequency attached by ClinVar (database versions not stated): TOPMed below 0.00001; gnomAD 0.00001; gnomAD exomes 0.00001; ExAC 0.00006.
gnomAD v4.1: 16 of 1,208,353 alleles (0.0013%); highest among the groups gnomAD compares: Admixed American, 0.02%; no homozygotes.

Submissions (4):

CeGaT Center for Human Genetics Tuebingen
Classification: Likely benign. Last evaluated: 2026-07-01. Review status: criteria provided, single submitter. Criteria: CeGaT Center For Human Genetics Tuebingen Variant Classification Criteria Version 2. Collection method: clinical testing. Allele origin: germline. Affected: yes. Observed: 1 variant allele.
Comment: CACNA1F: BS2

PreventionGenetics, part of Exact Sciences
Classification: Uncertain significance for CACNA1F-related condition. Last evaluated: 2026-03-12. Review status: criteria provided, single submitter. Criteria: ACMG Guidelines, 2015. Collection method: clinical testing. Allele origin: germline.
Comment: The CACNA1F c.2161A>G variant is predicted to result in the amino acid substitution p.Ile721Val. To our knowledge, this variant has not been reported in individuals with CACNA1F-related retinopathy. This variant is reported in 0.032% of alleles in individuals of Latino descent in gnomAD. Although we suspect that this variant may be benign, at this time, the clinical significance of this variant is uncertain due to the absence of conclusive functional and genetic evidence.

Labcorp Genetics (formerly Invitae), Labcorp
Classification: Uncertain significance. Last evaluated: 2024-01-22. Review status: criteria provided, single submitter. Criteria: Invitae Variant Classification Sherloc (09022015). Collection method: clinical testing. Allele origin: germline.
Comment: This sequence change replaces isoleucine, which is neutral and non-polar, with valine, which is neutral and non-polar, at codon 721 of the CACNA1F protein (p.Ile721Val). This variant is present in population databases (rs782701503, gnomAD 0.03%). This variant has not been reported in the literature in individuals affected with CACNA1F-related conditions. ClinVar contains an entry for this variant (Variation ID: 1945932). Advanced modeling of protein sequence and biophysical properties (such as structural, functional, and spatial information, amino acid conservation, physicochemical variation, residue mobility, and thermodynamic stability) performed at Invitae indicates that this missense variant is not expected to disrupt CACNA1F protein function with a negative predictive value of 80%. In summary, the available evidence is currently insufficient to determine the role of this variant in disease. Therefore, it has been classified as a Variant of Uncertain Significance.

Blueprint Genetics
Classification: Likely benign. Last evaluated: 2020-02-28. Review status: criteria provided, single submitter. Criteria: ACMG Guidelines, 2015. Collection method: clinical testing. Allele origin: germline.

NM_001256789.3(CACNA1F):c.2128A>G (p.Ile710Val)

Gene: CACNA1F (calcium voltage-gated channel subunit alpha1 F; minus strand). Cytogenetic location: Xp11.23.
Variant type: single nucleotide variant.
Coding change: c.2128A>G on transcript NM_001256789.3 (MANE Select); coding-DNA position 2128, A replaced by G.
Protein change: p.Ile710Val; replaces isoleucine 710 with valine.
Molecular consequence: missense variant.
Genome position (GRCh38, 1-based): chrX:49,222,796, T>C on the plus strand (A>G on the coding strand, the complement: CACNA1F is on the minus strand). VCF-style: chrX-49222796-T-C. GRCh37 (hg19) VCF-style: chrX-49079255-T-C.
Other names: c.1966A>G, p.Ile656Val (NM_001256790.3); c.2161A>G, p.Ile721Val (NM_005183.4); c.2161A>G (NM_005183.3); short protein forms I710V, I721V, I656V.
Identifiers: ClinVar variation 1945932 (VCV001945932.8), dbSNP rs782701503, ClinGen allele CA10410741.